The following is an entry in ClinVar:

NM_015512.5(DNAH1):c.2938C>T (p.Arg980Trp)

Gene: DNAH1 (dynein axonemal heavy chain 1; plus strand). Cytogenetic location: 3p21.1.
Variant type: single nucleotide variant.
Coding change: c.2938C>T on transcript NM_015512.5 (MANE Select); coding-DNA position 2938, C replaced by T.
Protein change: p.Arg980Trp; replaces arginine 980 with tryptophan.
Molecular consequence: missense variant.
Genome position (GRCh38, 1-based): chr3:52,352,618, C>T. VCF-style: chr3-52352618-C-T. GRCh37 (hg19) VCF-style: chr3-52386634-C-T.
Other names: short protein forms R980W.
Identifiers: ClinVar variation 2934977 (VCV002934977.3), dbSNP rs751222789, ClinGen allele CA2433436.

ClinVar aggregate classification (germline): Uncertain significance (1 of 4 stars; one submission).

Conditions:
Spermatogenic failure 18. Identifiers: MedGen C4539783, MONDO:0054615, OMIM 617576.
Ciliary dyskinesia, primary, 37 (CILD37). Also called: CILIARY DYSKINESIA, PRIMARY, 37, WITH OR WITHOUT SITUS INVERSUS. Identifiers: MedGen C4539798, MONDO:0033204, OMIM 617577.

Allele frequency attached by ClinVar (database versions not stated): gnomAD exomes 0.00001; ExAC 0.00002; gnomAD 0.00003.
gnomAD v4.1: 24 of 1,612,736 alleles (0.0015%); highest among the groups gnomAD compares: Non-Finnish European, 0.0016%; no homozygotes.

Submission:

Labcorp Genetics (formerly Invitae), Labcorp
Classification: Uncertain significance for Ciliary dyskinesia, primary, 37; Spermatogenic failure 18. Last evaluated: 2023-12-27. Review status: criteria provided, single submitter. Criteria: Invitae Variant Classification Sherloc (09022015). Collection method: clinical testing. Allele origin: germline.
Comment: This sequence change replaces arginine, which is basic and polar, with tryptophan, which is neutral and slightly polar, at codon 980 of the DNAH1 protein (p.Arg980Trp). This variant is present in population databases (rs751222789, gnomAD 0.009%). This variant has not been reported in the literature in individuals affected with DNAH1-related conditions. Advanced modeling of protein sequence and biophysical properties (such as structural, functional, and spatial information, amino acid conservation, physicochemical variation, residue mobility, and thermodynamic stability) performed at Invitae indicates that this missense variant is expected to disrupt DNAH1 protein function with a positive predictive value of 80%. In summary, the available evidence is currently insufficient to determine the role of this variant in disease. Therefore, it has been classified as a Variant of Uncertain Significance.